The following is an entry in ClinVar:

NM_002303.6(LEPR):c.3251C>T (p.Ser1084Leu)

Gene: LEPR (leptin receptor; plus strand). Cytogenetic location: 1p31.3.
Variant type: single nucleotide variant.
Coding change: c.3251C>T on transcript NM_002303.6 (MANE Select); coding-DNA position 3251, C replaced by T.
Protein change: p.Ser1084Leu; replaces serine 1084 with leucine.
Molecular consequence: missense variant.
Genome position (GRCh38, 1-based): chr1:65,636,768, C>T. VCF-style: chr1-65636768-C-T. GRCh37 (hg19) VCF-style: chr1-66102451-C-T.
Other names: short protein forms S1084L.
Identifiers: ClinVar variation 3290483 (VCV003290483.2).
Genomic context (GRCh38, chr1:65,636,768, plus strand): 5'-AGGGAAATTTCCCTGAAGAAAATAATGATAAAAAGTCTATCTATTATTTAGGGGTCACCT[C>T]AATCAAAAAGAGAGAGAGTGGTGTGCTTTTGACTGACAAGTCAAGGGTATCGTGCCCATT-3'
Protein context (NP_002294.2, residues 1074-1094): KKSIYYLGVT[Ser1084Leu]IKKRESGVLL

ClinVar aggregate classification (germline): Uncertain significance. Review status: criteria provided, single submitter (1 of 4 stars). 2 submissions from 2 submitters: Uncertain significance (1). 1 of the submissions does not count toward it. Last evaluated 2024-05-29.

Conditions:
LEPR-related disorder. Also called: LEPR-related condition; LEPR-related disorders.
Inborn genetic diseases. Identifiers: MedGen C0950123, MeSH D030342.

gnomAD v4.1: 2 of 1,613,806 alleles (0.00012%); highest among the groups gnomAD compares: Non-Finnish European, 0.00017%; no homozygotes.

Submissions (2):

Ambry Genetics
Classification: Uncertain significance for Inborn genetic diseases. Last evaluated: 2024-05-29. Review status: criteria provided, single submitter. Criteria: Ambry Variant Classification Scheme 2023. Collection method: clinical testing. Allele origin: germline.

PreventionGenetics, part of Exact Sciences
Classification: Uncertain significance for LEPR-related condition. Last evaluated: 2023-11-15. Review status: no assertion criteria provided. Collection method: clinical testing. Allele origin: germline. Not counted in ClinVar's aggregate classification.
Comment: The LEPR c.3251C>T variant is predicted to result in the amino acid substitution p.Ser1084Leu. To our knowledge, this variant has not been reported in the literature. This variant is reported in 0.00088% of alleles in individuals of European (Non-Finnish) descent in gnomAD. At this time, the clinical significance of this variant is uncertain due to the absence of conclusive functional and genetic evidence.